The following is an entry in ClinVar:

ClinVar aggregate classification (germline): Uncertain significance (1 of 4 stars; one submission).

Conditions:
Hereditary cancer-predisposing syndrome. Also called: Neoplastic Syndromes, Hereditary; Tumor predisposition; Hereditary Cancer Syndrome; Hereditary neoplastic syndrome. Identifiers: Orphanet 140162, MedGen C0027672, MeSH D009386, MONDO:0015356.

Submission:

Ambry Genetics
Classification: Uncertain significance for Hereditary cancer-predisposing syndrome. Last evaluated: 2026-02-13. Review status: criteria provided, single submitter. Criteria: Ambry Variant Classification Scheme 2023. Collection method: clinical testing. Allele origin: germline.
Comment: The p.L18V variant (also known as c.52C>G), located in coding exon 1 of the GREM1 gene, results from a C to G substitution at nucleotide position 52. The leucine at codon 18 is replaced by valine, an amino acid with highly similar properties. This amino acid position is conserved. In addition, this alteration is predicted to be tolerated by in silico analysis. Based on the available evidence, the clinical significance of this variant remains unclear.

NM_013372.7(GREM1):c.52C>G (p.Leu18Val)

Gene: GREM1 (gremlin 1, DAN family BMP antagonist; plus strand). Cytogenetic location: 15q13.3.
Variant type: single nucleotide variant.
Coding change: c.52C>G on transcript NM_013372.7 (MANE Select); coding-DNA position 52, C replaced by G.
Protein change: p.Leu18Val; replaces leucine 18 with valine.
Molecular consequence: missense variant. On other transcripts: intron variant (1).
Genome position (GRCh38, 1-based): chr15:32,730,742, C>G. VCF-style: chr15-32730742-C-G. GRCh37 (hg19) VCF-style: chr15-33022943-C-G.
Other names: c.52C>G, p.Leu18Val (NM_001191323.2, NM_001368719.1); c.27+25C>G (NM_001191322.2); short protein forms L18V.
Identifiers: ClinVar variation 4824883 (VCV004824883.1).
Genomic context (GRCh38, chr15:32,730,742, plus strand): 5'-TTCTTTAGTATGAGCCGCACAGCCTACACGGTGGGAGCCCTGCTTCTCCTCTTGGGGACC[C>G]TGCTGCCGGCTGCTGAAGGGAAAAAGAAAGGGTCCCAAGGTGCCATCCCCCCGCCAGACA-3'
Protein context (NP_037504.1, residues 8-28): VGALLLLLGT[Leu18Val]LPAAEGKKKG